The following is an entry in ClinVar:

ClinVar aggregate classification (germline): Benign/Likely benign. Review status: criteria provided, multiple submitters, no conflicts (2 of 4 stars). 2 submissions from 2 submitters: Benign (1); Likely benign (1). Last evaluated 2022-06-01.

Allele frequency attached by ClinVar (database versions not stated): TOPMed 0.00033; gnomAD exomes 0.00051; ExAC 0.00059; ESP Exome Variant Server 0.00092.
gnomAD v4.1: 944 of 1,577,814 alleles (0.06%); highest among the groups gnomAD compares: South Asian, 0.16%; 1 homozygote.

Submissions (2):

CeGaT Center for Human Genetics Tuebingen
Classification: Benign. Last evaluated: 2022-06-01. Review status: criteria provided, single submitter. Criteria: CeGaT Center For Human Genetics Tuebingen Variant Classification Criteria Version 2. Collection method: clinical testing. Allele origin: germline. Affected: yes. Observed: 1 variant allele.
Comment: SRGAP1: BS1, BS2

Labcorp Genetics (formerly Invitae), Labcorp
Classification: Likely benign. Last evaluated: 2018-01-17. Review status: criteria provided, single submitter. Criteria: Invitae Variant Classification Sherloc (09022015). Collection method: clinical testing. Allele origin: germline.

NM_020762.4(SRGAP1):c.145C>T (p.Leu49=)

Gene: SRGAP1 (SLIT-ROBO Rho GTPase activating protein 1; plus strand). Cytogenetic location: 12q14.2.
Variant type: single nucleotide variant.
Coding change: c.145C>T on transcript NM_020762.4 (MANE Select); coding-DNA position 145, C replaced by T.
Protein change: p.Leu49=; no amino-acid change (leucine 49 retained).
Molecular consequence: synonymous variant.
Genome position (GRCh38, 1-based): chr12:63,984,024, C>T. VCF-style: chr12-63984024-C-T. GRCh37 (hg19) VCF-style: chr12-64377804-C-T.
Other names: c.145C>T, p.Leu49= (NM_001346201.2).
Identifiers: ClinVar variation 725157 (VCV000725157.27), dbSNP rs142409169, ClinGen allele CA6666334.